The following is an entry in ClinVar:

NM_000143.4(FH):c.412C>T (p.Leu138Phe)

Gene: FH (fumarate hydratase; minus strand). Cytogenetic location: 1q43.
Variant type: single nucleotide variant.
Coding change: c.412C>T on transcript NM_000143.4 (MANE Select); coding-DNA position 412, C replaced by T.
Protein change: p.Leu138Phe; replaces leucine 138 with phenylalanine.
Molecular consequence: missense variant.
Genome position (GRCh38, 1-based): chr1:241,512,110, G>A on the plus strand (C>T on the coding strand, the complement: FH is on the minus strand). VCF-style: chr1-241512110-G-A. GRCh37 (hg19) VCF-style: chr1-241675410-G-A.
Other names: short protein forms L138F.
Identifiers: ClinVar variation 4885170 (VCV004885170.2).

ClinVar aggregate classification (germline): Uncertain significance (1 of 4 stars; one submission).

Submission:

Dasa
Classification: Uncertain significance. Last evaluated: 2026-03-10. Review status: criteria provided, single submitter. Criteria: DASA Assertion Criteria. Collection method: clinical testing. Allele origin: germline.
Comment: NM_000143.4(FH):c.412C>T (p.Leu138Phe) is a missense variant that results in the substitution of leucine with phenylalanine. The affected residue or protein region has prior evidence supporting clinical relevance. This variant is rare in population databases. Computational prediction algorithms are consistent with a deleterious effect. The currently available literature and clinical evidence are not sufficient to establish a definitive association between this variant and the reported condition. Therefore, this variant is classified as a variant of uncertain significance.